The following is an entry in ClinVar:

ClinVar aggregate classification (germline): Uncertain significance (1 of 4 stars; one submission).

Allele frequency attached by ClinVar (database versions not stated): TOPMed 0.00001.
gnomAD v4.1: 7 of 1,614,210 alleles (0.00043%); highest among the groups gnomAD compares: Non-Finnish European, 0.00059%; no homozygotes.

Submission:

Labcorp Genetics (formerly Invitae), Labcorp
Classification: Uncertain significance. Last evaluated: 2021-12-02. Review status: criteria provided, single submitter. Criteria: Invitae Variant Classification Sherloc (09022015). Collection method: clinical testing. Allele origin: germline.
Comment: This sequence change replaces leucine, which is neutral and non-polar, with phenylalanine, which is neutral and non-polar, at codon 927 of the PLEKHG2 protein (p.Leu927Phe). This variant is not present in population databases (gnomAD no frequency). This variant has not been reported in the literature in individuals affected with PLEKHG2-related conditions. Algorithms developed to predict the effect of missense changes on protein structure and function (SIFT, PolyPhen-2, Align-GVGD) all suggest that this variant is likely to be tolerated. In summary, the available evidence is currently insufficient to determine the role of this variant in disease. Therefore, it has been classified as a Variant of Uncertain Significance.

NM_022835.3(PLEKHG2):c.2779C>T (p.Leu927Phe)

Gene: PLEKHG2 (pleckstrin homology and RhoGEF domain containing G2; plus strand). Cytogenetic location: 19q13.2.
Variant type: single nucleotide variant.
Coding change: c.2779C>T on transcript NM_022835.3 (MANE Select); coding-DNA position 2779, C replaced by T.
Protein change: p.Leu927Phe; replaces leucine 927 with phenylalanine.
Molecular consequence: missense variant. On other transcripts: intron variant (1).
Genome position (GRCh38, 1-based): chr19:39,423,912, C>T. VCF-style: chr19-39423912-C-T. GRCh37 (hg19) VCF-style: chr19-39914552-C-T.
Other names: c.2602C>T, p.Leu868Phe (NM_001351693.2); c.1678-1326C>T (NM_001351694.2); short protein forms L927F, L868F.
Identifiers: ClinVar variation 1375030 (VCV001375030.8), dbSNP rs2078742132, ClinGen allele CA405801415.